The following is an entry in ClinVar:

ClinVar aggregate classification (germline): Conflicting classifications of pathogenicity. Review status: criteria provided, conflicting classifications (1 of 4 stars). 4 submissions from 4 submitters: Uncertain significance (1); Benign (1); Likely benign (2). Last evaluated 2026-09-29.

Conditions:
Cardiovascular phenotype. Identifiers: MedGen CN230736.
Hereditary cancer-predisposing syndrome. Also called: Hereditary neoplastic syndrome; Neoplastic Syndromes, Hereditary; Tumor predisposition; Hereditary Cancer Syndrome. Identifiers: Orphanet 140162, MedGen C0027672, MeSH D009386, MONDO:0015356.
Neurofibromatosis, type 1 (NF1). Also called: Neurofibromatosis, type I; Peripheral type neurofibromatosis; VON RECKLINGHAUSEN DISEASE; NEUROFIBROMATOSIS, TYPE I, SOMATIC. Identifiers: Orphanet 636, MedGen C0027831, MONDO:0018975, OMIM 162200. Disease mechanism: loss of function.

Allele frequency attached by ClinVar (database versions not stated): ExAC 0.00002; gnomAD exomes 0.00001.
gnomAD v4.1: 17 of 1,613,326 alleles (0.0011%); highest among the groups gnomAD compares: Non-Finnish European, 0.0014%; no homozygotes.

Submissions (4):

Myriad Genetics, Inc.
Classification: Benign for Neurofibromatosis, type 1. Last evaluated: 2026-09-29. Review status: criteria provided, single submitter. Criteria: Myriad Autosomal Dominant, Autosomal Recessive and X-Linked Classification Criteria (2023). Collection method: clinical testing. Allele origin: unknown.
Comment: This variant is considered benign. This variant is a silent/synonymous amino acid change and it is not expected to impact splicing.

Labcorp Genetics (formerly Invitae), Labcorp
Classification: Likely benign for Neurofibromatosis, type 1. Last evaluated: 2025-06-17. Review status: criteria provided, single submitter. Criteria: Invitae Variant Classification Sherloc (09022015). Collection method: clinical testing. Allele origin: germline.

Quest Diagnostics Nichols Institute San Juan Capistrano
Classification: Uncertain significance. Last evaluated: 2024-05-23. Review status: criteria provided, single submitter. Criteria: Quest Diagnostics criteria. Collection method: clinical testing. Allele origin: unknown.

Ambry Genetics
Classification: Likely benign for Cardiovascular phenotype; Hereditary cancer-predisposing syndrome. Last evaluated: 2023-01-21. Review status: criteria provided, single submitter. Criteria: Ambry Variant Classification Scheme 2023. Collection method: clinical testing. Allele origin: germline.

NM_001042492.3(NF1):c.645C>T (p.Ser215=)

Gene: NF1 (neurofibromin 1; plus strand). Cytogenetic location: 17q11.2.
Variant type: single nucleotide variant.
Coding change: c.645C>T on transcript NM_001042492.3 (MANE Select); coding-DNA position 645, C replaced by T.
Protein change: p.Ser215=; no amino-acid change (serine 215 retained).
Molecular consequence: synonymous variant.
Genome position (GRCh38, 1-based): chr17:31,181,480, C>T. VCF-style: chr17-31181480-C-T. GRCh37 (hg19) VCF-style: chr17-29508498-C-T.
Other names: c.645C>T, p.Ser215= (NM_000267.4, NM_001128147.3).
Identifiers: ClinVar variation 754349 (VCV000754349.13), dbSNP rs746163138, ClinGen allele CA8485578.
Genomic context (GRCh38, chr17:31,181,480, plus strand): 5'-AGAAACAGCATTTAAATTTAAAGCCCTAAAGAAGGTTGCGCAGTTAGCAGTTATAAATAG[C>T]CTGGAAAAGGTAAGTTACAACCTCTCTGGTATTAAAATTTTGTTTTTGATGTAAAATTTG-3'
Protein context (NP_001035957.1, residues 205-225): KKVAQLAVIN[Ser215=]LEKAFWNWVE